The following is an entry in ClinVar:

ClinVar aggregate classification (germline): Uncertain significance (1 of 4 stars; one submission).

Allele frequency attached by ClinVar (database versions not stated): TOPMed below 0.00001; gnomAD 0.00001; gnomAD exomes 0.00001; ExAC 0.00002.
gnomAD v4.1: 8 of 1,613,722 alleles (0.0005%); highest among the groups gnomAD compares: Non-Finnish European, 0.00068%; no homozygotes.

Submission:

Labcorp Genetics (formerly Invitae), Labcorp
Classification: Uncertain significance. Last evaluated: 2023-10-13. Review status: criteria provided, single submitter. Criteria: Invitae Variant Classification Sherloc (09022015). Collection method: clinical testing. Allele origin: germline.
Comment: This sequence change replaces phenylalanine, which is neutral and non-polar, with valine, which is neutral and non-polar, at codon 451 of the COQ8A protein (p.Phe451Val). This variant is present in population databases (rs755776655, gnomAD 0.002%). This variant has not been reported in the literature in individuals affected with COQ8A-related conditions. Advanced modeling of protein sequence and biophysical properties (such as structural, functional, and spatial information, amino acid conservation, physicochemical variation, residue mobility, and thermodynamic stability) has been performed at Invitae for this missense variant, however the output from this modeling did not meet the statistical confidence thresholds required to predict the impact of this variant on COQ8A protein function. In summary, the available evidence is currently insufficient to determine the role of this variant in disease. Therefore, it has been classified as a Variant of Uncertain Significance.

NM_020247.5(COQ8A):c.1351T>G (p.Phe451Val)

Gene: COQ8A (coenzyme Q8A; plus strand). Cytogenetic location: 1q42.13.
Variant type: single nucleotide variant.
Coding change: c.1351T>G on transcript NM_020247.5 (MANE Select); coding-DNA position 1351, T replaced by G.
Protein change: p.Phe451Val; replaces phenylalanine 451 with valine.
Molecular consequence: missense variant.
Genome position (GRCh38, 1-based): chr1:226,984,188, T>G. VCF-style: chr1-226984188-T-G. GRCh37 (hg19) VCF-style: chr1-227171889-T-G.
Other names: short protein forms F451V.
Identifiers: ClinVar variation 2777460 (VCV002777460.1), dbSNP rs755776655, ClinGen allele CA1425447.